The following is an entry in ClinVar:

ClinVar aggregate classification (germline): Likely benign (1 of 4 stars; one submission).

Allele frequency attached by ClinVar (database versions not stated): gnomAD 0.00016; gnomAD exomes 0.00016; TOPMed 0.00017; 1000 Genomes Project 0.00020; ExAC 0.00023; ESP Exome Variant Server 0.00023; 1000 Genomes Project 30x 0.00031.

Submission:

CeGaT Center for Human Genetics Tuebingen
Classification: Likely benign. Last evaluated: 2022-06-01. Review status: criteria provided, single submitter. Criteria: CeGaT Center For Human Genetics Tuebingen Variant Classification Criteria Version 2. Collection method: clinical testing. Allele origin: germline. Affected: yes. Observed: 1 variant allele.
Comment: PPAN: BP4

NM_020230.7(PPAN):c.1229G>A (p.Arg410Gln)

Genes: PPAN (peter pan homolog; plus strand), PPAN-P2RY11 (PPAN-P2RY11 readthrough; plus strand). Cytogenetic location: 19p13.2.
Variant type: single nucleotide variant.
Coding change: c.1229G>A on transcript NM_020230.7 (MANE Select); coding-DNA position 1229, G replaced by A.
Protein change: p.Arg410Gln; replaces arginine 410 with glutamine.
Molecular consequence: missense variant.
Genome position (GRCh38, 1-based): chr19:10,110,972, G>A. VCF-style: chr19-10110972-G-A. GRCh37 (hg19) VCF-style: chr19-10221648-G-A.
Other names: c.1229G>A, p.Arg410Gln (NM_001040664.3, NM_001198690.2); c.1226G>A, p.Arg409Gln (NM_001346139.1); c.1070G>A, p.Arg357Gln (NM_001346141.1); short protein forms R357Q, R409Q, R410Q.
Identifiers: ClinVar variation 2649283 (VCV002649283.24), dbSNP rs143184464, ClinGen allele CA9186127.